The following is an entry in ClinVar:

NM_006019.4(TCIRG1):c.196+5G>A

Gene: TCIRG1 (T cell immune regulator 1, ATPase H+ transporting V0 subunit a3; plus strand). Cytogenetic location: 11q13.2.
Variant type: single nucleotide variant.
Coding change: c.196+5G>A on transcript NM_006019.4 (MANE Select); 5 bases into the intron after coding-DNA position 196, G replaced by A.
Molecular consequence: intron variant.
Genome position (GRCh38, 1-based): chr11:68,041,836, G>A. VCF-style: chr11-68041836-G-A. GRCh37 (hg19) VCF-style: chr11-67809303-G-A.
Other names: c.-1054+5G>A (NM_001351059.2).
Identifiers: ClinVar variation 938825 (VCV000938825.13), dbSNP rs1470999303, ClinGen allele CA599931445.

ClinVar aggregate classification (germline): Pathogenic/Likely pathogenic. Review status: criteria provided, multiple submitters, no conflicts (2 of 4 stars). 5 submissions from 5 submitters: Pathogenic (3); Likely pathogenic (2). Last evaluated 2024-12-19.

Conditions:
Autosomal recessive osteopetrosis 1. Also called: TCIRG1-Related Osteopetrosis; TCIRG1-Related Autosomal Recessive Osteopetrosis; ALBERS-SCHONBERG DISEASE, AUTOSOMAL RECESSIVE. Identifiers: Orphanet 667, MedGen C1850127, MONDO:0009815, OMIM 259700.
TCIRG1-related disorder. Also called: TCIRG1-related condition.

Allele frequency attached by ClinVar (database versions not stated): gnomAD exomes below 0.00001; gnomAD 0.00001.
gnomAD v4.1: 3 of 1,603,426 alleles (0.00019%); highest among the groups gnomAD compares: East Asian, 0.0067%; no homozygotes.

Submissions (5):

Natera, Inc.
Classification: Likely pathogenic for Infantile malignant osteopetrosis. Last evaluated: 2024-12-19. Review status: criteria provided, single submitter. Criteria: Natera Variant Classification Schema (03/2026). Collection method: clinical testing. Allele origin: germline.
Comment: The c.196+5G>A variant in TCIRG1 is an intronic variant located outside the canonical splice sites. This variant is rare in the general population with a frequency below the threshold expected for the associated phenotype(s). This variant has been observed in one or more individuals affected with the associated recessive disease, as either homozygous or compound heterozygous with a second variant (PMID: 30539151). Computational prediction algorithms indicate this variant is likely to affect gene or protein function. Given the available evidence, this variant is classified as Likely Pathogenic.

Fulgent Genetics
Classification: Pathogenic for Autosomal recessive osteopetrosis 1. Last evaluated: 2024-03-06. Review status: criteria provided, single submitter. Criteria: ACMG Guidelines, 2015. Collection method: clinical testing. Allele origin: germline.

Baylor Genetics
Classification: Pathogenic for Autosomal recessive osteopetrosis 1. Last evaluated: 2023-07-29. Review status: criteria provided, single submitter. Criteria: ACMG Guidelines, 2015. Collection method: clinical testing. Allele origin: unknown.

Labcorp Genetics (formerly Invitae), Labcorp
Classification: Pathogenic. Last evaluated: 2023-07-17. Review status: criteria provided, single submitter. Criteria: Invitae Variant Classification Sherloc (09022015). Collection method: clinical testing. Allele origin: germline.
Comment: For these reasons, this variant has been classified as Pathogenic. Variants that disrupt the consensus splice site are a relatively common cause of aberrant splicing (PMID: 17576681, 9536098). Algorithms developed to predict the effect of sequence changes on RNA splicing suggest that this variant may disrupt the consensus splice site. ClinVar contains an entry for this variant (Variation ID: 938825). This variant has been observed in individual(s) with infantile malignant osteopetrosis (PMID: 30539151). In at least one individual the data is consistent with being in trans (on the opposite chromosome) from a pathogenic variant. The frequency data for this variant in the population databases is considered unreliable, as metrics indicate poor data quality at this position in the gnomAD database. This sequence change falls in intron 3 of the TCIRG1 gene. It does not directly change the encoded amino acid sequence of the TCIRG1 protein. It affects a nucleotide within the consensus splice site.

Blueprint Genetics
Classification: Likely pathogenic for TCIRG1-related disorders. Last evaluated: 2019-07-30. Review status: criteria provided, single submitter. Criteria: ACMG Guidelines, 2015. Collection method: clinical testing. Allele origin: germline. Affected: yes. Observed: 2 variant alleles.

Literature cited by the submitters: PubMed 30539151 (cited by Natera, Inc. and Labcorp Genetics (formerly Invitae), Labcorp); PubMed 17576681 (cited by Labcorp Genetics (formerly Invitae), Labcorp); PubMed 9536098 (cited by Labcorp Genetics (formerly Invitae), Labcorp).